The following is an entry in ClinVar:

ClinVar aggregate classification (germline): Benign (1 of 4 stars; one submission).

Submission:

CeGaT Center for Human Genetics Tuebingen
Classification: Benign. Last evaluated: 2022-07-01. Review status: criteria provided, single submitter. Criteria: CeGaT Center For Human Genetics Tuebingen Variant Classification Criteria Version 2. Collection method: clinical testing. Allele origin: germline. Affected: yes. Observed: 1 variant allele.
Comment: NF1: BS1, BS2

NM_001042492.3(NF1):c.6148-30_6148-28del

Gene: NF1 (neurofibromin 1; plus strand). Cytogenetic location: 17q11.2.
Variant type: Deletion.
Coding change: c.6148-30_6148-28del on transcript NM_001042492.3 (MANE Select); 30 bases into the intron before coding-DNA position 6148 through 28 bases into the intron before coding-DNA position 6148, 3 bases deleted (TTT; older notation c.6148-30_6148-28delTTT).
Molecular consequence: intron variant.
Genome position (GRCh38, 1-based): chr17:31,336,605-31,336,607, TTT deleted; deleting any 3 consecutive bases within chr17:31,336,597-31,336,607 gives the same sequence; the c. name uses the placement nearest the transcript's 3' end. VCF-style (leftmost placement, unchanged base first): chr17-31336596-GTTT-G. GRCh37 (hg19) VCF-style: chr17-29663614-GTTT-G.
Other names: c.6085-30_6085-28del (NM_000267.4).
Identifiers: ClinVar variation 2647640 (VCV002647640.24), dbSNP rs398100472, ClinGen allele CA8487307.